The following is an entry in ClinVar:

ClinVar aggregate classification (germline): Likely benign. Review status: reviewed by expert panel (3 of 4 stars). 4 submissions from 4 submitters: Likely benign (1). 3 of the submissions do not count toward it. Last evaluated 2017-06-29.

Conditions:
Hereditary breast ovarian cancer syndrome. Also called: Hereditary breast and ovarian cancer syndrome (HBOC); BRCA1- and BRCA2-Associated Hereditary Breast and Ovarian Cancer; Hereditary breast and/or ovarian cancer syndrome; Hereditary breast and ovarian cancer syndrome; Hereditary breast and ovarian cancer; Breast and ovarian cancer. Identifiers: Orphanet 145, MedGen C0677776, MeSH D061325, MONDO:0003582. Disease mechanism: loss of function.
Malignant tumor of breast. Also called: Malignant breast neoplasm; Cancer breast. Identifiers: MedGen C0006142, MONDO:0007254. Disease mechanism: loss of function.
Hereditary cancer-predisposing syndrome. Also called: Neoplastic Syndromes, Hereditary; Hereditary neoplastic syndrome; Tumor predisposition; Hereditary Cancer Syndrome. Identifiers: Orphanet 140162, MedGen C0027672, MeSH D009386, MONDO:0015356.
Breast-ovarian cancer, familial, susceptibility to, 1 (BROVCA1). Also called: BRCA1 Hereditary Breast and Ovarian Cancer; OVARIAN CANCER, SUSCEPTIBILITY TO. Identifiers: Orphanet 145, MedGen C2676676, MONDO:0011450, OMIM 604370. Disease mechanism: loss of function.

Allele frequency attached by ClinVar (database versions not stated): gnomAD exomes below 0.00001; ExAC 0.00001.
gnomAD v4.1: 1 of 1,613,784 alleles (0.000062%); highest among the groups gnomAD compares: Non-Finnish European, 0.000085%; no homozygotes.

Submissions (4):

Evidence-based Network for the Interpretation of Germline Mutant Alleles (ENIGMA)
Classification: Likely benign for Breast-ovarian cancer, familial, susceptibility to, 1. Last evaluated: 2017-06-29. Review status: reviewed by expert panel. Criteria: ENIGMA BRCA1/2 Classification Criteria (2017-06-29). Collection method: curation. Allele origin: germline.
Comment: Synonymous substitution variant, with low bioinformatic likelihood to result in a splicing aberration (Splicing prior probability 0.02).

Labcorp Genetics (formerly Invitae), Labcorp
Classification: Likely benign for Hereditary breast ovarian cancer syndrome. Last evaluated: 2025-05-18. Review status: criteria provided, single submitter. Criteria: Invitae Variant Classification Sherloc (09022015). Collection method: clinical testing. Allele origin: germline. Not counted in ClinVar's aggregate classification.

Ambry Genetics
Classification: Likely benign for Hereditary cancer-predisposing syndrome. Last evaluated: 2016-12-06. Review status: criteria provided, single submitter. Criteria: Ambry Variant Classification Scheme 2023. Collection method: clinical testing. Allele origin: germline. Not counted in ClinVar's aggregate classification.

Department of Pathology and Laboratory Medicine, Sinai Health System
Classification: Likely benign for Malignant tumor of breast. Review status: no assertion criteria provided. Collection method: clinical testing. Allele origin: unknown. Affected: yes. Observed: 1 variant allele. Study: The Canadian Open Genetics Repository (COGR). Not counted in ClinVar's aggregate classification.
Comment: The BRCA1 p.Leu159Leu variant was not identified in the literature, nor was it identified in the 1000 Genomes Project, the NHLBI Exome Sequencing Project, GeneInsight COGR, ClinVar, Clinvitae, COSMIC, MutDB, BRCA Share, BIC, ARUP Laboratories BRCA Mutations Database, the Fanconi Anemia Mutation Database (LOVD) or LOVD-IARC databases. The variant was only identified in dbSNP (ID: rs779704727) as â€šÃ„ÃºN/Aâ€šÃ„Ã¹ and the Exome Aggregation Consortium (August 8th 2016) in 1 of 121408 chromosomes (freq. 0.000008) in the following population: European in 1 of 66736 chromosomes (freq. 0.00001), and was not seen in African, Asian, Latino and Other populations. The p.Leu159Leu variant is not expected to have clinical significance because it does not result in a change of amino acid and is not located in a known consensus splice site. In addition, in silico or computational prediction software programs (SpliceSiteFinder, MaxEntScan, NNSPLICE, GeneSplicer, HumanSpliceFinder) do not predict a difference in splicing. In summary, based on the above information, the clinical significance of this variant cannot be determined with certainty at this time although we would lean towards a more benign role for this variant. This variant is classified as likely benign.

NM_007294.4(BRCA1):c.477T>C (p.Leu159=)

Gene: BRCA1 (BRCA1 DNA repair associated; minus strand). Cytogenetic location: 17q21.31.
Variant type: single nucleotide variant.
Coding change: c.477T>C on transcript NM_007294.4 (MANE Select); coding-DNA position 477, T replaced by C.
Protein change: p.Leu159=; no amino-acid change (leucine 159 retained).
Molecular consequence: synonymous variant. On other transcripts: intron variant (2).
Genome position (GRCh38, 1-based): chr17:43,099,845, A>G on the plus strand (T>C on the coding strand, the complement: BRCA1 is on the minus strand). VCF-style: chr17-43099845-A-G. GRCh37 (hg19) VCF-style: chr17-41251862-A-G.
Other names: c.474T>C, p.Leu158= (NM_001407610.1, NM_001407611.1, NM_001407612.1 and 65 more transcripts); c.477T>C, p.Leu159= (NM_001407616.1, NM_001407617.1, NM_001407618.1 and 97 more transcripts); c.468T>C, p.Leu156= (NM_001407646.1, NM_001407647.1, NM_001408408.1); c.399T>C, p.Leu133= (NM_001407653.1, NM_001407654.1, NM_001407655.1 and 12 more transcripts); c.396T>C, p.Leu132= (NM_001407659.1, NM_001407660.1, NM_001407661.1 and 6 more transcripts); c.336T>C, p.Leu112= (NM_001407692.1, NM_001407694.1, NM_001407695.1 and 61 more transcripts); c.333T>C, p.Leu111= (NM_001407740.1, NM_001407741.1, NM_001407742.1 and 35 more transcripts); c.264T>C, p.Leu88= (NM_001407853.1, NM_001407894.1, NM_001407895.1 and 18 more transcripts); and 5 more.
Identifiers: ClinVar variation 427331 (VCV000427331.20), dbSNP rs779704727, ClinGen allele CA056183.
Genomic context (GRCh38, chr17:43,099,845, plus strand): 5'-GTAGACAGACGTCTTTTGAGGTTGTATCCGCTGCTTTGTCCTCAGAGTTCTCACAGTTCC[A>G]AGGTTAGAGAGTTGGACACTGAGACTGGTTTCCTGCTAAACAGTATGGTAAAGAACAGTC-3'
Protein context (NP_009225.1, residues 149-169): ETSLSVQLSN[Leu159=]GTVRTLRTKQ